The following is an entry in ClinVar:

ClinVar aggregate classification (germline): Uncertain significance (1 of 4 stars; one submission).

Conditions:
Episodic ataxia type 2 (EA2). Also called: ATAXIA, EPISODIC, WITH NYSTAGMUS; ATAXIA, FAMILIAL PAROXYSMAL; CEREBELLAR ATAXIA, PAROXYSMAL, ACETAZOLAMIDE-RESPONSIVE; CEREBELLOPATHY, HEREDITARY PAROXYSMAL; ACETAZOLAMIDE-RESPONSIVE HEREDITARY PAROXYSMAL CEREBELLAR ATAXIA; EPISODIC ATAXIA, NYSTAGMUS-ASSOCIATED. Identifiers: Orphanet 97, MedGen C1720416, MONDO:0007163, OMIM 108500.
Developmental and epileptic encephalopathy, 42 (DEE42A). Also called: DEVELOPMENTAL AND EPILEPTIC ENCEPHALOPATHY 42A; EPILEPTIC ENCEPHALOPATHY, EARLY INFANTILE, 42A; Epileptic encephalopathy, early infantile, 42. Identifiers: MedGen C4310716, MONDO:0014917, OMIM 617106.

gnomAD v4.1: 1 of 1,602,170 alleles (0.000062%); highest among the groups gnomAD compares: Non-Finnish European, 0.000085%; no homozygotes.

Submission:

Labcorp Genetics (formerly Invitae), Labcorp
Classification: Uncertain significance for Developmental and epileptic encephalopathy, 42; Episodic ataxia type 2. Last evaluated: 2022-07-19. Review status: criteria provided, single submitter. Criteria: Invitae Variant Classification Sherloc (09022015). Collection method: clinical testing. Allele origin: germline.
Comment: In summary, the available evidence is currently insufficient to determine the role of this variant in disease. Therefore, it has been classified as a Variant of Uncertain Significance. Advanced modeling of protein sequence and biophysical properties (such as structural, functional, and spatial information, amino acid conservation, physicochemical variation, residue mobility, and thermodynamic stability) performed at Invitae indicates that this missense variant is expected to disrupt CACNA1A protein function. ClinVar contains an entry for this variant (Variation ID: 1502882). This variant has not been reported in the literature in individuals affected with CACNA1A-related conditions. This variant is not present in population databases (gnomAD no frequency). This sequence change replaces alanine, which is neutral and non-polar, with serine, which is neutral and polar, at codon 1392 of the CACNA1A protein (p.Ala1392Ser).

NM_001127222.2(CACNA1A):c.4171G>T (p.Ala1391Ser)

Genes: CACNA1A (calcium voltage-gated channel subunit alpha1 A; minus strand), LOC126862864 (MED14-independent group 3 enhancer GRCh37_chr19:13371552-13372751; plus strand). Cytogenetic location: 19p13.13.
Variant type: single nucleotide variant.
Coding change: c.4171G>T on transcript NM_001127222.2 (MANE Select); coding-DNA position 4171, G replaced by T.
Protein change: p.Ala1391Ser; replaces alanine 1391 with serine.
Molecular consequence: missense variant.
Genome position (GRCh38, 1-based): chr19:13,261,529, C>A on the plus strand (G>T on the coding strand, the complement: CACNA1A is on the minus strand). VCF-style: chr19-13261529-C-A. GRCh37 (hg19) VCF-style: chr19-13372343-C-A.
Other names: c.4183G>T, p.Ala1395Ser (NM_000068.4, NM_023035.3); c.4174G>T, p.Ala1392Ser (NM_001127221.2, NM_001174080.2); short protein forms A1392S, A1391S, A1395S.
Identifiers: ClinVar variation 1502882 (VCV001502882.8), dbSNP rs1398841527, ClinGen allele CA404339705.
Genomic context (GRCh38, chr19:13,261,529, plus strand): 5'-CTTTGGACTCGTCAGTGCAGTGGAAGAATTTCCCCTTGAAGAGCTGCACAGCCACCACGG[C>A]GAAGATGAACATGAATAGCATGTAGACGATGAGGATGTTGAAGACGTTTTTAAGTGAGTT-3'
Protein context (NP_001120694.1, residues 1381-1401): IVYMLFMFIF[Ala1391Ser]VVAVQLFKGK